The following is an entry in ClinVar:

NM_001350162.2(TEX15):c.8857_8860del (p.Lys2953fs)

Gene: TEX15 (testis expressed 15, meiosis and synapsis associated; minus strand). Cytogenetic location: 8p12.
Variant type: Microsatellite.
Coding change: c.8857_8860del on transcript NM_001350162.2 (MANE Select); coding-DNA positions 8857 to 8860, 4 bases deleted (AAAC; older notation c.8857_8860delAAAC).
Protein change: p.Lys2953fs; shifts the reading frame from lysine 2953.
Molecular consequence: frameshift variant.
Genome position (GRCh38, 1-based): chr8:30,837,424-30,837,427, GTTT deleted on the plus strand (AAAC on the coding strand, the reverse complement: TEX15 is on the minus strand); deleting any 4 consecutive bases within chr8:30,837,424-30,837,431 gives the same sequence; the c. name uses the placement nearest the transcript's 3' end. VCF-style (leftmost placement, unchanged base first): chr8-30837423-AGTTT-A. GRCh37 (hg19) VCF-style: chr8-30694939-AGTTT-A.
Other names: short protein forms K2953fs.
Identifiers: ClinVar variation 5018667 (VCV005018667.2).

ClinVar aggregate classification (germline): Uncertain significance (1 of 4 stars; one submission).

Conditions:
Spermatogenic failure 25. Identifiers: MedGen C4693765, MONDO:0054729, OMIM 617960.

Submission:

Juno Genomics, Hangzhou Juno Genomics, Inc
Classification: Uncertain significance for Spermatogenic failure 25. Review status: criteria provided, single submitter. Criteria: ACMG Guidelines, 2015. Collection method: clinical testing. Allele origin: germline.
Comment: Absent from controls (or at extremely low frequency if recessive) in Genome Aggregation Database.;Null variant in a gene where loss of function (LOF) is a known mechanism of disease.